The following is an entry in ClinVar:

ClinVar aggregate classification (germline): Likely pathogenic (1 of 4 stars; one submission).

Conditions:
Autosomal recessive limb-girdle muscular dystrophy type 2J (LGMDR10). Also called: Limb-girdle muscular dystrophy, type 2J; MUSCULAR DYSTROPHY, LIMB-GIRDLE, AUTOSOMAL RECESSIVE 10. Identifiers: Orphanet 140922, MedGen C1837342, MONDO:0012127, OMIM 608807.
Dilated cardiomyopathy 1G (CMD1G). Identifiers: Orphanet 154, MedGen C1858763, MONDO:0011400, OMIM 604145.

Submission:

Labcorp Genetics (formerly Invitae), Labcorp
Classification: Likely pathogenic for Dilated cardiomyopathy 1G; Autosomal recessive limb-girdle muscular dystrophy type 2J. Last evaluated: 2025-06-01. Review status: criteria provided, single submitter. Criteria: Invitae Variant Classification Sherloc (09022015). Collection method: clinical testing. Allele origin: germline.
Comment: This sequence change creates a premature translational stop signal (p.Trp23553Cysfs*16) in the TTN gene. While this is not anticipated to result in nonsense mediated decay, it is expected to create a truncated TTN protein. This variant is not present in population databases (gnomAD no frequency). This variant has not been reported in the literature in individuals affected with TTN-related conditions. This variant is located in the A band of TTN (PMID: 25589632). Truncating variants in this region are significantly overrepresented in patients affected with dilated cardiomyopathy (PMID: 25589632). Truncating variants in this region have also been reported in individuals affected with autosomal recessive centronuclear myopathy (PMID: 23975875). In summary, the currently available evidence indicates that the variant is pathogenic, but additional data are needed to prove that conclusively. Therefore, this variant has been classified as Likely Pathogenic.

Literature cited by the submitters: PubMed 25589632; PubMed 23975875.

NM_001267550.2(TTN):c.70659del (p.Trp23553fs)

Genes: TTN-AS1 (TTN antisense RNA 1; plus strand), TTN (titin; minus strand). Cytogenetic location: 2q31.2.
Variant type: Deletion.
Coding change: c.70659del on transcript NM_001267550.2 (MANE Select); coding-DNA position 70659, one base deleted (G; older notation c.70659delG).
Protein change: p.Trp23553fs; shifts the reading frame from tryptophan 23553.
Molecular consequence: frameshift variant.
Genome position (GRCh38, 1-based): chr2:178,575,473, C deleted on the plus strand (G on the coding strand, the reverse complement: TTN is on the minus strand); the first of 2 consecutive C bases (chr2:178,575,473-178,575,474); deleting either gives the same sequence. VCF-style (leftmost placement, unchanged base first): chr2-178575472-GC-G. GRCh37 (hg19) VCF-style: chr2-179440199-GC-G.
Other names: c.65736del, p.Trp21912fs (NM_001256850.1); c.43464del, p.Trp14488fs (NM_003319.4); c.62955del, p.Trp20985fs (NM_133378.4); c.43839del, p.Trp14613fs (NM_133432.3); c.44040del, p.Trp14680fs (NM_133437.4); short protein forms W14488fs, W14680fs, W21912fs, W23553fs, W14613fs, W20985fs.
Identifiers: ClinVar variation 4785151 (VCV004785151.1).
Genomic context (GRCh38, chr2:178,575,472, plus strand): 5'-TTCTTTGGGCTTCAATCACATAGCCAGTGATCTTGCTGCCACCATCGTGTTTGGGCTTAG[GC>G]CATGCCAGGCTGACGGTGCTCTTAGTTATGTCCATGATGTTAAGGCTGTCTGGTGGAGAT-3'